The following is an entry in ClinVar:

NM_001457.4(FLNB):c.1363T>G (p.Cys455Gly)

Gene: FLNB (filamin B; plus strand). Cytogenetic location: 3p14.3.
Variant type: single nucleotide variant.
Coding change: c.1363T>G on transcript NM_001457.4 (MANE Select); coding-DNA position 1363, T replaced by G.
Protein change: p.Cys455Gly; replaces cysteine 455 with glycine.
Molecular consequence: missense variant.
Genome position (GRCh38, 1-based): chr3:58,102,220, T>G. VCF-style: chr3-58102220-T-G. GRCh37 (hg19) VCF-style: chr3-58087947-T-G.
Other names: c.1363T>G, p.Cys455Gly (NM_001164317.2, NM_001164318.2, NM_001164319.2); short protein forms C455G.
Identifiers: ClinVar variation 3635700 (VCV003635700.2).

ClinVar aggregate classification (germline): Uncertain significance (1 of 4 stars; one submission).

Submission:

Labcorp Genetics (formerly Invitae), Labcorp
Classification: Uncertain significance. Last evaluated: 2025-01-12. Review status: criteria provided, single submitter. Criteria: Invitae Variant Classification Sherloc (09022015). Collection method: clinical testing. Allele origin: germline.
Comment: This sequence change replaces cysteine, which is neutral and slightly polar, with glycine, which is neutral and non-polar, at codon 455 of the FLNB protein (p.Cys455Gly). This variant is not present in population databases (gnomAD no frequency). This variant has not been reported in the literature in individuals affected with FLNB-related conditions. Invitae Evidence Modeling of protein sequence and biophysical properties (such as structural, functional, and spatial information, amino acid conservation, physicochemical variation, residue mobility, and thermodynamic stability) indicates that this missense variant is not expected to disrupt FLNB protein function with a negative predictive value of 80%. In summary, the available evidence is currently insufficient to determine the role of this variant in disease. Therefore, it has been classified as a Variant of Uncertain Significance.